The following is an entry in ClinVar:

ClinVar aggregate classification (germline): Uncertain significance (1 of 4 stars; one submission).

Submission:

GeneDx
Classification: Uncertain significance. Last evaluated: 2024-08-07. Review status: criteria provided, single submitter. Criteria: GeneDx Variant Classification Process June 2021. Collection method: clinical testing. Allele origin: germline. Affected: yes.
Comment: Not observed at significant frequency in large population cohorts (gnomAD); In silico analysis indicates that this missense variant does not alter protein structure/function; Has not been previously published as pathogenic or benign to our knowledge

NM_014927.5(CNKSR2):c.1458A>T (p.Arg486Ser)

Gene: CNKSR2 (connector enhancer of kinase suppressor of Ras 2; plus strand). Cytogenetic location: Xp22.12.
Variant type: single nucleotide variant.
Coding change: c.1458A>T on transcript NM_014927.5 (MANE Select); coding-DNA position 1458, A replaced by T.
Protein change: p.Arg486Ser; replaces arginine 486 with serine.
Molecular consequence: missense variant.
Genome position (GRCh38, 1-based): chrX:21,563,302, A>T. VCF-style: chrX-21563302-A-T. GRCh37 (hg19) VCF-style: chrX-21581420-A-T.
Other names: c.1368A>T, p.Arg456Ser (NM_001168647.3, NM_001330773.2); c.1458A>T, p.Arg486Ser (NM_001168648.3); c.1311A>T, p.Arg437Ser (NM_001168649.3, NM_001330770.2); c.1221A>T, p.Arg407Ser (NM_001330771.2, NM_001330772.2); short protein forms R407S, R437S, R456S, R486S.
Identifiers: ClinVar variation 3602800 (VCV003602800.1).
Genomic context (GRCh38, chrX:21,563,302, plus strand): 5'-CTCTCTACTTCGGTATATGAGCAATGAAAAGATTGCTCAAGAAGAATACATGTTTCAGAG[A>T]AACAGCAAAAAGGACACAGGGAAGAAGTCAAAAAAGAAGGGTGATAAGAGTAATAGCCCA-3'
Protein context (NP_055742.2, residues 476-496): KIAQEEYMFQ[Arg486Ser]NSKKDTGKKS